The following is an entry in ClinVar:

ClinVar aggregate classification (germline): Uncertain significance. Review status: criteria provided, multiple submitters, no conflicts (2 of 4 stars). 3 submissions from 3 submitters: Uncertain significance (3). Last evaluated 2024-06-25.

Conditions:
Short stature, microcephaly, and endocrine dysfunction (SSMED). Identifiers: Orphanet 436182, MedGen C4225288, MONDO:0014686, OMIM 616541.

Allele frequency attached by ClinVar (database versions not stated): TOPMed 0.00020; gnomAD 0.00024; ExAC 0.00025; gnomAD exomes 0.00037; ESP Exome Variant Server 0.00038.
gnomAD v4.1: 576 of 1,606,890 alleles (0.036%); highest among the groups gnomAD compares: Non-Finnish European, 0.046%; no homozygotes.

Submissions (3):

GeneDx
Classification: Uncertain significance. Last evaluated: 2024-06-25. Review status: criteria provided, single submitter. Criteria: GeneDx Variant Classification Process June 2021. Collection method: clinical testing. Allele origin: germline. Affected: yes.
Comment: In silico analysis indicates that this missense variant does not alter protein structure/function; Has not been previously published as pathogenic or benign to our knowledge

Fulgent Genetics
Classification: Uncertain significance for Short stature, microcephaly, and endocrine dysfunction. Last evaluated: 2024-05-29. Review status: criteria provided, single submitter. Criteria: ACMG Guidelines, 2015. Collection method: clinical testing. Allele origin: germline.

Labcorp Genetics (formerly Invitae), Labcorp
Classification: Uncertain significance. Last evaluated: 2022-08-20. Review status: criteria provided, single submitter. Criteria: Invitae Variant Classification Sherloc (09022015). Collection method: clinical testing. Allele origin: germline.
Comment: This sequence change replaces isoleucine, which is neutral and non-polar, with valine, which is neutral and non-polar, at codon 258 of the XRCC4 protein (p.Ile258Val). This variant is present in population databases (rs141122119, gnomAD 0.03%). This variant has not been reported in the literature in individuals affected with XRCC4-related conditions. Algorithms developed to predict the effect of missense changes on protein structure and function output the following: SIFT: "Not Available"; PolyPhen-2: "Possibly Damaging"; Align-GVGD: "Not Available". The valine amino acid residue is found in multiple mammalian species, which suggests that this missense change does not adversely affect protein function. In summary, the available evidence is currently insufficient to determine the role of this variant in disease. Therefore, it has been classified as a Variant of Uncertain Significance.

NM_003401.5(XRCC4):c.772A>G (p.Ile258Val)

Gene: XRCC4 (X-ray repair cross complementing 4; plus strand). Cytogenetic location: 5q14.2.
Variant type: single nucleotide variant.
Coding change: c.772A>G on transcript NM_003401.5 (MANE Select); coding-DNA position 772, A replaced by G.
Protein change: p.Ile258Val; replaces isoleucine 258 with valine.
Molecular consequence: missense variant.
Genome position (GRCh38, 1-based): chr5:83,258,556, A>G. VCF-style: chr5-83258556-A-G. GRCh37 (hg19) VCF-style: chr5-82554375-A-G.
Other names: c.772A>G, p.Ile258Val (NM_001131022.1, NM_001318012.3, NM_001318013.2 and 2 more transcripts); c.772A>G (NM_022406.2, NM_022406.4); short protein forms I258V.
Identifiers: ClinVar variation 2078421 (VCV002078421.3), dbSNP rs141122119, ClinGen allele CA3332260.
Genomic context (GRCh38, chr5:83,258,556, plus strand): 5'-TGTTGGGTCACATTCTCATCTCATTTTATTTCAGCTGCTGTAAGTAAAGATGATTCCATT[A>G]TTTCAAGTCTTGATGTCACTGATATTGCACCAAGTAGAAAAAGGAGACAGCGAATGCAAA-3'
Protein context (NP_003392.1, residues 248-268): SAAVSKDDSI[Ile258Val]SSLDVTDIAP